The following is an entry in ClinVar:

ClinVar aggregate classification (germline): Uncertain significance. Review status: criteria provided, multiple submitters, no conflicts (2 of 4 stars). 3 submissions from 3 submitters: Uncertain significance (3). Last evaluated 2025-08-26.

Conditions:
Osteogenesis imperfecta (OI). Identifiers: Orphanet 666, MedGen C0029434, MeSH D010013, MONDO:0019019.
Inborn genetic diseases. Identifiers: MedGen C0950123, MeSH D030342.

Allele frequency attached by ClinVar (database versions not stated): TOPMed 0.00004; gnomAD 0.00005; ExAC 0.00007; gnomAD exomes 0.00008; ESP Exome Variant Server 0.00015.
gnomAD v4.1: 123 of 1,613,620 alleles (0.0076%); highest among the groups gnomAD compares: Non-Finnish European, 0.0088%; no homozygotes.

Submissions (3):

Ambry Genetics
Classification: Uncertain significance for Inborn genetic diseases. Last evaluated: 2025-08-26. Review status: criteria provided, single submitter. Criteria: Ambry Variant Classification Scheme 2023. Collection method: clinical testing. Allele origin: germline.

GeneDx
Classification: Uncertain significance. Last evaluated: 2024-08-27. Review status: criteria provided, single submitter. Criteria: GeneDx Variant Classification Process June 2021. Collection method: clinical testing. Allele origin: germline. Affected: yes.
Comment: In silico analysis supports that this missense variant has a deleterious effect on protein structure/function; Has not been previously published as pathogenic or benign to our knowledge

Genome Diagnostics Laboratory, The Hospital for Sick Children
Classification: Uncertain significance for Osteogenesis imperfecta. Last evaluated: 2020-04-01. Review status: criteria provided, single submitter. Criteria: ACMG Guidelines, 2015. Collection method: clinical testing. Allele origin: germline.

NM_006129.5(BMP1):c.226C>T (p.Arg76Trp)

Gene: BMP1 (bone morphogenetic protein 1; plus strand). Cytogenetic location: 8p21.3.
Variant type: single nucleotide variant.
Coding change: c.226C>T on transcript NM_006129.5 (MANE Select); coding-DNA position 226, C replaced by T.
Protein change: p.Arg76Trp; replaces arginine 76 with tryptophan.
Molecular consequence: missense variant. On other transcripts: non-coding transcript variant (2).
Genome position (GRCh38, 1-based): chr8:22,173,679, C>T. VCF-style: chr8-22173679-C-T. GRCh37 (hg19) VCF-style: chr8-22031192-C-T.
Other names: c.226C>T, p.Arg76Trp (NM_001199.4); short protein forms R76W.
Identifiers: ClinVar variation 1702067 (VCV001702067.5), dbSNP rs201377252, ClinGen allele CA4664194.